The following is an entry in ClinVar:

NM_000352.6(ABCC8):c.4057T>A (p.Tyr1353Asn)

Gene: ABCC8 (ATP binding cassette subfamily C member 8; minus strand). Cytogenetic location: 11p15.1.
Variant type: single nucleotide variant.
Coding change: c.4057T>A on transcript NM_000352.6 (MANE Select); coding-DNA position 4057, T replaced by A.
Protein change: p.Tyr1353Asn; replaces tyrosine 1353 with asparagine.
Molecular consequence: missense variant. On other transcripts: non-coding transcript variant (1).
Genome position (GRCh38, 1-based): chr11:17,396,978, A>T on the plus strand (T>A on the coding strand, the complement: ABCC8 is on the minus strand). VCF-style: chr11-17396978-A-T. GRCh37 (hg19) VCF-style: chr11-17418525-A-T.
Other names: c.4060T>A, p.Tyr1354Asn (NM_001287174.3); c.4123T>A, p.Tyr1375Asn (NM_001351295.2); c.4057T>A, p.Tyr1353Asn (NM_001351296.2); c.4054T>A, p.Tyr1352Asn (NM_001351297.2); short protein forms Y1352N, Y1353N, Y1354N, Y1375N.
Identifiers: ClinVar variation 3252261 (VCV003252261.1), dbSNP rs2496462086.

ClinVar aggregate classification (germline): Uncertain significance (1 of 4 stars; one submission).

Submission:

GeneDx
Classification: Uncertain significance. Last evaluated: 2023-12-06. Review status: criteria provided, single submitter. Criteria: GeneDx Variant Classification Process June 2021. Collection method: clinical testing. Allele origin: germline. Affected: yes.
Comment: Not observed at significant frequency in large population cohorts (gnomAD); In silico analysis supports that this missense variant has a deleterious effect on protein structure/function; This variant is associated with the following publications: (PMID: 27188453)